The following is an entry in ClinVar:

ClinVar aggregate classification (germline): Uncertain significance (1 of 4 stars; one submission).

Conditions:
Early Myoclonic Encephalopathy. Identifiers: MedGen C0270855.

Allele frequency attached by ClinVar (database versions not stated): TOPMed 0.00001; ExAC 0.00001; gnomAD exomes 0.00002.
gnomAD v4.1: 7 of 1,614,048 alleles (0.00043%); no homozygotes.

Submission:

Labcorp Genetics (formerly Invitae), Labcorp
Classification: Uncertain significance for Early Myoclonic Encephalopathy. Last evaluated: 2024-10-15. Review status: criteria provided, single submitter. Criteria: Invitae Variant Classification Sherloc (09022015). Collection method: clinical testing. Allele origin: germline.
Comment: This sequence change replaces alanine, which is neutral and non-polar, with proline, which is neutral and non-polar, at codon 1303 of the JMJD1C protein (p.Ala1303Pro). This variant is present in population databases (rs767565217, gnomAD 0.02%). This variant has not been reported in the literature in individuals affected with JMJD1C-related conditions. ClinVar contains an entry for this variant (Variation ID: 940203). Invitae Evidence Modeling of protein sequence and biophysical properties (such as structural, functional, and spatial information, amino acid conservation, physicochemical variation, residue mobility, and thermodynamic stability) indicates that this missense variant is expected to disrupt JMJD1C protein function with a positive predictive value of 80%. In summary, the available evidence is currently insufficient to determine the role of this variant in disease. Therefore, it has been classified as a Variant of Uncertain Significance.

NM_032776.3(JMJD1C):c.3907G>C (p.Ala1303Pro)

Gene: JMJD1C (jumonji domain containing 1C; minus strand). Cytogenetic location: 10q21.3.
Variant type: single nucleotide variant.
Coding change: c.3907G>C on transcript NM_032776.3 (MANE Select); coding-DNA position 3907, G replaced by C.
Protein change: p.Ala1303Pro; replaces alanine 1303 with proline.
Molecular consequence: missense variant. On other transcripts: non-coding transcript variant (1).
Genome position (GRCh38, 1-based): chr10:63,207,762, C>G on the plus strand (G>C on the coding strand, the complement: JMJD1C is on the minus strand). VCF-style: chr10-63207762-C-G. GRCh37 (hg19) VCF-style: chr10-64967522-C-G.
Other names: c.3361G>C, p.Ala1121Pro (NM_001282948.2, NM_001318154.2); c.3043G>C, p.Ala1015Pro (NM_001318153.2); c.3793G>C, p.Ala1265Pro (NM_001322252.2); c.3250G>C, p.Ala1084Pro (NM_001322254.2, NM_001322258.2); short protein forms A1303P, A1015P, A1265P, A1084P, A1121P.
Identifiers: ClinVar variation 940203 (VCV000940203.9), dbSNP rs767565217, ClinGen allele CA5518361.